The following is an entry in ClinVar:

ClinVar aggregate classification (germline): Pathogenic/Likely pathogenic. Review status: criteria provided, multiple submitters, no conflicts (2 of 4 stars). 2 submissions from 2 submitters: Pathogenic (1); Likely pathogenic (1). Last evaluated 2024-10-21.

Conditions:
FECH-related disorders.

Allele frequency attached by ClinVar (database versions not stated): gnomAD exomes 0.00002.

Submissions (2):

Labcorp Genetics (formerly Invitae), Labcorp
Classification: Pathogenic. Last evaluated: 2024-10-21. Review status: criteria provided, single submitter. Criteria: Invitae Variant Classification Sherloc (09022015). Collection method: clinical testing. Allele origin: germline.
Comment: This sequence change creates a premature translational stop signal (p.Asp316Thrfs*20) in the FECH gene. It is expected to result in an absent or disrupted protein product. Loss-of-function variants in FECH are known to be pathogenic (PMID: 20105171, 23016163, 23364466). This variant is not present in population databases (gnomAD no frequency). This premature translational stop signal has been observed in individual(s) with erythropoietic protoporphyria (PMID: 15286165). ClinVar contains an entry for this variant (Variation ID: 1370481). For these reasons, this variant has been classified as Pathogenic.

Blueprint Genetics
Classification: Likely pathogenic for FECH-related disorders. Last evaluated: 2022-07-05. Review status: criteria provided, single submitter. Criteria: ACMG Guidelines, 2015. Collection method: clinical testing. Allele origin: germline. Affected: yes. Observed: 1 variant allele.

Literature cited by the submitters: PubMed 20105171 (cited by Labcorp Genetics (formerly Invitae), Labcorp); PubMed 23016163 (cited by Labcorp Genetics (formerly Invitae), Labcorp); PubMed 23364466 (cited by Labcorp Genetics (formerly Invitae), Labcorp); PubMed 15286165 (cited by Labcorp Genetics (formerly Invitae), Labcorp).

NM_000140.5(FECH):c.945del (p.Asp316fs)

Gene: FECH (ferrochelatase; minus strand). Cytogenetic location: 18q21.31.
Variant type: Deletion.
Coding change: c.945del on transcript NM_000140.5 (MANE Select); coding-DNA position 945, one base deleted (A; older notation c.945delA).
Protein change: p.Asp316fs; shifts the reading frame from aspartic acid 316.
Molecular consequence: frameshift variant.
Genome position (GRCh38, 1-based): chr18:57,554,392, T deleted on the plus strand (A on the coding strand, the reverse complement: FECH is on the minus strand). VCF-style (leftmost placement, unchanged base first): chr18-57554391-CT-C. GRCh37 (hg19) VCF-style: chr18-55221623-CT-C.
Other names: c.963del, p.Asp322fs (NM_001012515.4); c.846del, p.Asp283fs (NM_001371094.1); c.729del, p.Asp244fs (NM_001371095.1); c.945del, p.Asp316fs (NM_001374778.1); short protein forms D283fs, D244fs, D322fs, D316fs.
Identifiers: ClinVar variation 1370481 (VCV001370481.7), dbSNP rs2122248224, ClinGen allele CA2573155442.